The following is an entry in ClinVar:

NM_016507.4(CDK12):c.1342C>A (p.Pro448Thr)

Gene: CDK12 (cyclin dependent kinase 12; plus strand). Cytogenetic location: 17q12.
Variant type: single nucleotide variant.
Coding change: c.1342C>A on transcript NM_016507.4 (MANE Select); coding-DNA position 1342, C replaced by A.
Protein change: p.Pro448Thr; replaces proline 448 with threonine.
Molecular consequence: missense variant.
Genome position (GRCh38, 1-based): chr17:39,471,174, C>A. VCF-style: chr17-39471174-C-A. GRCh37 (hg19) VCF-style: chr17-37627427-C-A.
Other names: c.1342C>A, p.Pro448Thr (NM_015083.4); short protein forms P448T.
Identifiers: ClinVar variation 3830506 (VCV003830506.1).
Genomic context (GRCh38, chr17:39,471,174, plus strand): 5'-CCTAGAAAAGAGAACAGTTCAGTAGAGGCTAAGGATTCAGGTTTGGAGTCTAAAAAGTTA[C>A]CCAGAAGTGTAAAATTGGAAAAATCTGCCCCAGATACTGAACTGGTGAATGTAACACATC-3'
Protein context (NP_057591.2, residues 438-458): KDSGLESKKL[Pro448Thr]RSVKLEKSAP

ClinVar aggregate classification (germline): Uncertain significance (1 of 4 stars; one submission).

Submission:

Ambry Genetics
Classification: Uncertain significance. Last evaluated: 2025-01-14. Review status: criteria provided, single submitter. Criteria: Ambry Variant Classification Scheme 2023. Collection method: clinical testing. Allele origin: germline.
Comment: The p.P448T variant (also known as c.1342C>A), located in coding exon 2 of the CDK12 gene, results from a C to A substitution at nucleotide position 1342. The proline at codon 448 is replaced by threonine, an amino acid with highly similar properties. This amino acid position is conserved. In addition, this alteration is predicted to be tolerated by in silico analysis. Based on the available evidence, the clinical significance of this variant remains unclear.